The following is an entry in ClinVar:

ClinVar aggregate classification (germline): Uncertain significance (1 of 4 stars; one submission).

gnomAD v4.1: 2 of 1,613,674 alleles (0.00012%); highest among the groups gnomAD compares: Admixed American, 0.0033%; no homozygotes.

Submission:

Labcorp Genetics (formerly Invitae), Labcorp
Classification: Uncertain significance. Last evaluated: 2025-07-21. Review status: criteria provided, single submitter. Criteria: Invitae Variant Classification Sherloc (09022015). Collection method: clinical testing. Allele origin: germline.
Comment: This sequence change replaces threonine, which is neutral and polar, with serine, which is neutral and polar, at codon 535 of the GANAB protein (p.Thr535Ser). This variant is not present in population databases (gnomAD no frequency). This variant has not been reported in the literature in individuals affected with GANAB-related conditions. Invitae Evidence Modeling of protein sequence and biophysical properties (such as structural, functional, and spatial information, amino acid conservation, physicochemical variation, residue mobility, and thermodynamic stability) indicates that this missense variant is not expected to disrupt GANAB protein function with a negative predictive value of 80%. In summary, the available evidence is currently insufficient to determine the role of this variant in disease. Therefore, it has been classified as a Variant of Uncertain Significance.

NM_198334.3(GANAB):c.1537A>T (p.Thr513Ser)

Gene: GANAB (glucosidase II alpha subunit; minus strand). Cytogenetic location: 11q12.3.
Variant type: single nucleotide variant.
Coding change: c.1537A>T on transcript NM_198334.3 (MANE Select); coding-DNA position 1537, A replaced by T.
Protein change: p.Thr513Ser; replaces threonine 513 with serine.
Molecular consequence: missense variant.
Genome position (GRCh38, 1-based): chr11:62,630,253, T>A on the plus strand (A>T on the coding strand, the complement: GANAB is on the minus strand). VCF-style: chr11-62630253-T-A. GRCh37 (hg19) VCF-style: chr11-62397725-T-A.
Other names: c.1261A>T, p.Thr421Ser (NM_001278192.2); c.1195A>T, p.Thr399Ser (NM_001278193.2); c.1246A>T, p.Thr416Ser (NM_001278194.2, NM_001329222.2, NM_001329223.2); c.814A>T, p.Thr272Ser (NM_001329224.2, NM_001329225.2); c.1603A>T, p.Thr535Ser (NM_198335.4); short protein forms T272S, T399S, T416S, T421S, T513S, T535S.
Identifiers: ClinVar variation 4805828 (VCV004805828.1).